The following is an entry in ClinVar:

NM_000368.5(TSC1):c.1298A>G (p.His433Arg)

Gene: TSC1 (TSC complex subunit 1; minus strand). Cytogenetic location: 9q34.13.
Variant type: single nucleotide variant.
Coding change: c.1298A>G on transcript NM_000368.5 (MANE Select); coding-DNA position 1298, A replaced by G.
Protein change: p.His433Arg; replaces histidine 433 with arginine.
Molecular consequence: missense variant.
Genome position (GRCh38, 1-based): chr9:132,907,336, T>C on the plus strand (A>G on the coding strand, the complement: TSC1 is on the minus strand). VCF-style: chr9-132907336-T-C. GRCh37 (hg19) VCF-style: chr9-135782723-T-C.
Other names: c.1295A>G, p.His432Arg (NM_001162426.2); c.1145A>G, p.His382Arg (NM_001162427.2); c.935A>G, p.His312Arg (NM_001362177.2); short protein forms H433R, H312R, H382R, H432R.
Identifiers: ClinVar variation 466020 (VCV000466020.15), dbSNP rs1554816403, ClinGen allele CA375366153.

ClinVar aggregate classification (germline): Conflicting classifications of pathogenicity. Review status: criteria provided, conflicting classifications (1 of 4 stars). 3 submissions from 3 submitters: Uncertain significance (2); Benign (1). Last evaluated 2025-05-22.

Conditions:
Tuberous sclerosis 1 (TSC1). Identifiers: Orphanet 805, MedGen C1854465, MONDO:0008612, OMIM 191100.
Hereditary cancer-predisposing syndrome. Also called: Hereditary neoplastic syndrome; Neoplastic Syndromes, Hereditary; Tumor predisposition; Hereditary Cancer Syndrome. Identifiers: Orphanet 140162, MedGen C0027672, MeSH D009386, MONDO:0015356.

Allele frequency attached by ClinVar (database versions not stated): gnomAD exomes below 0.00001.
gnomAD v4.1: 3 of 1,614,206 alleles (0.00019%); highest among the groups gnomAD compares: Middle Eastern, 0.017%; no homozygotes.

Submissions (3):

Ambry Genetics
Classification: Benign for Hereditary cancer-predisposing syndrome. Last evaluated: 2025-05-22. Review status: criteria provided, single submitter. Criteria: Ambry Variant Classification Scheme 2023. Collection method: clinical testing. Allele origin: germline.

Labcorp Genetics (formerly Invitae), Labcorp
Classification: Uncertain significance for Tuberous sclerosis 1. Last evaluated: 2025-01-22. Review status: criteria provided, single submitter. Criteria: Invitae Variant Classification Sherloc (09022015). Collection method: clinical testing. Allele origin: germline.
Comment: This sequence change replaces histidine, which is basic and polar, with arginine, which is basic and polar, at codon 433 of the TSC1 protein (p.His433Arg). This variant is not present in population databases (gnomAD no frequency). This variant has not been reported in the literature in individuals affected with TSC1-related conditions. ClinVar contains an entry for this variant (Variation ID: 466020). Invitae Evidence Modeling of protein sequence and biophysical properties (such as structural, functional, and spatial information, amino acid conservation, physicochemical variation, residue mobility, and thermodynamic stability) indicates that this missense variant is not expected to disrupt TSC1 protein function with a negative predictive value of 95%. In summary, the available evidence is currently insufficient to determine the role of this variant in disease. Therefore, it has been classified as a Variant of Uncertain Significance.

GeneDx
Classification: Uncertain significance. Last evaluated: 2022-11-10. Review status: criteria provided, single submitter. Criteria: GeneDx Variant Classification Process June 2021. Collection method: clinical testing. Allele origin: germline. Affected: yes.
Comment: Not observed at significant frequency in large population cohorts (gnomAD); In silico analysis supports that this missense variant does not alter protein structure/function; Has not been previously published as pathogenic or benign to our knowledge